The following is an entry in ClinVar:

ClinVar aggregate classification (germline): Uncertain significance (1 of 4 stars; one submission).

Submission:

Medical Genetic Center, Changzhi Maternal and Child Health Care Hospital
Classification: Uncertain significance. Last evaluated: 2025-12-10. Review status: criteria provided, single submitter. Criteria: ACMG/ClinGen CNV Guidelines, 2019. Collection method: clinical testing. Allele origin: unknown.
Comment: KIF2A partial deletion (exons 19-21)

GRCh38/hg38 5q12.1(chr5:62374392-62540922)x1

Genes: DIMT1 (DIM1 rRNA methyltransferase and ribosome maturation factor; minus strand), IPO11 (importin 11; plus strand), KIF2A (kinesin family member 2A; plus strand), LOC129993962 (ATAC-STARR-seq lymphoblastoid active region 22596; plus strand), LOC129993963 (ATAC-STARR-seq lymphoblastoid active region 22597; plus strand) and 1 more. Cytogenetic location: 5q12.1.
Variant type: copy number loss.
Change: copy number 1 (one copy instead of two) of chr5:62,374,392-62,540,922 (166.5 kb, GRCh38 coordinates, 1-based), cytogenetic band 5q12.1.
Identifiers: ClinVar variation 4796200 (VCV004796200.1).